The following is an entry in ClinVar:

NM_177402.5(SYT2):c.590G>A (p.Arg197Gln)

Gene: SYT2 (synaptotagmin 2; minus strand). Cytogenetic location: 1q32.1.
Variant type: single nucleotide variant.
Coding change: c.590G>A on transcript NM_177402.5 (MANE Select); coding-DNA position 590, G replaced by A.
Protein change: p.Arg197Gln; replaces arginine 197 with glutamine.
Molecular consequence: missense variant.
Genome position (GRCh38, 1-based): chr1:202,602,421, C>T on the plus strand (G>A on the coding strand, the complement: SYT2 is on the minus strand). VCF-style: chr1-202602421-C-T. GRCh37 (hg19) VCF-style: chr1-202571549-C-T.
Other names: c.590G>A, p.Arg197Gln (NM_001136504.1); short protein forms R197Q.
Identifiers: ClinVar variation 1346531 (VCV001346531.7), dbSNP rs201875273, ClinGen allele CA1333733.

ClinVar aggregate classification (germline): Uncertain significance. Review status: criteria provided, multiple submitters, no conflicts (2 of 4 stars). 2 submissions from 2 submitters: Uncertain significance (2). Last evaluated 2025-10-14.

Allele frequency attached by ClinVar (database versions not stated): gnomAD 0.00001; gnomAD exomes 0.00001 and 0.00003; TOPMed 0.00001; ExAC 0.00002; 1000 Genomes Project 30x 0.00016; 1000 Genomes Project 0.00020.
gnomAD v4.1: 11 of 1,614,146 alleles (0.00068%); highest among the groups gnomAD compares: Admixed American, 0.01%; no homozygotes.

Submissions (2):

Labcorp Genetics (formerly Invitae), Labcorp
Classification: Uncertain significance. Last evaluated: 2025-10-14. Review status: criteria provided, single submitter. Criteria: Invitae Variant Classification Sherloc (09022015). Collection method: clinical testing. Allele origin: germline.
Comment: This sequence change replaces arginine, which is basic and polar, with glutamine, which is neutral and polar, at codon 197 of the SYT2 protein (p.Arg197Gln). This variant is present in population databases (rs201875273, gnomAD 0.01%). This variant has not been reported in the literature in individuals affected with SYT2-related conditions. ClinVar contains an entry for this variant (Variation ID: 1346531). Invitae Evidence Modeling of protein sequence and biophysical properties (such as structural, functional, and spatial information, amino acid conservation, physicochemical variation, residue mobility, and thermodynamic stability) indicates that this missense variant is expected to disrupt SYT2 protein function with a positive predictive value of 80%. In summary, the available evidence is currently insufficient to determine the role of this variant in disease. Therefore, it has been classified as a Variant of Uncertain Significance.

GeneDx
Classification: Uncertain significance. Last evaluated: 2022-01-20. Review status: criteria provided, single submitter. Criteria: GeneDx Variant Classification Process June 2021. Collection method: clinical testing. Allele origin: germline. Affected: yes.
Comment: In silico analysis supports that this missense variant has a deleterious effect on protein structure/function; Has not been previously published as pathogenic or benign to our knowledge